The following is an entry in ClinVar:

ClinVar aggregate classification (germline): Uncertain significance (1 of 4 stars; one submission).

Submission:

GeneDx
Classification: Uncertain significance. Last evaluated: 2022-09-08. Review status: criteria provided, single submitter. Criteria: GeneDx Variant Classification Process June 2021. Collection method: clinical testing. Allele origin: germline. Affected: yes.
Comment: Not observed at significant frequency in large population cohorts (gnomAD); In silico analysis supports a deleterious effect on splicing; Has not been previously published as pathogenic or benign to our knowledge

NM_031220.4(PITPNM3):c.1890+5G>A

Gene: PITPNM3 (PITPNM family member 3; minus strand). Cytogenetic location: 17p13.2.
Variant type: single nucleotide variant.
Coding change: c.1890+5G>A on transcript NM_031220.4 (MANE Select); 5 bases into the intron after coding-DNA position 1890, G replaced by A.
Molecular consequence: intron variant.
Genome position (GRCh38, 1-based): chr17:6,468,220, C>T on the plus strand (G>A on the coding strand, the complement: PITPNM3 is on the minus strand). VCF-style: chr17-6468220-C-T. GRCh37 (hg19) VCF-style: chr17-6371540-C-T.
Other names: c.1782+5G>A (NM_001165966.2).
Identifiers: ClinVar variation 2443412 (VCV002443412.1), dbSNP rs1037367354, ClinGen allele CA287312875.